The following is an entry in ClinVar:

NM_001127222.2(CACNA1A):c.5678dup (p.Asn1893fs)

Gene: CACNA1A (calcium voltage-gated channel subunit alpha1 A; minus strand). Cytogenetic location: 19p13.13.
Variant type: Duplication.
Coding change: c.5678dup on transcript NM_001127222.2 (MANE Select); coding-DNA position 5678, one base duplicated (A; older notation c.5678dupA).
Protein change: p.Asn1893fs; shifts the reading frame from asparagine 1893.
Molecular consequence: frameshift variant.
Genome position (GRCh38, 1-based): chr19:13,224,720, T duplicated on the plus strand (A on the coding strand, the reverse complement: CACNA1A is on the minus strand); the first of 2 consecutive T bases (chr19:13,224,720-13,224,721); duplicating either gives the same sequence. VCF-style (leftmost placement, unchanged base first): chr19-13224719-A-AT. GRCh37 (hg19) VCF-style: chr19-13335533-A-AT.
Other names: c.5696dup, p.Asn1899fs (NM_000068.4, NM_023035.3); c.5681dup, p.Asn1894fs (NM_001127221.2); c.5687dup, p.Asn1896fs (NM_001174080.2); short protein forms N1893fs, N1894fs, N1896fs, N1899fs.
Identifiers: ClinVar variation 3354062 (VCV003354062.1).
Genomic context (GRCh38, chr19:13,224,719, plus strand): 5'-TTCCTTACCCTTGGCAATCTTGATGTCCAGGGCTGTGCGGATCAGAGCCATGAGGGTGGA[A>AT]TTGAAGTGGACGGTGTTGTCATCTGCGACGGGCAGGTCCATCCGCAGAAGCCGCTACAGA-3'

ClinVar aggregate classification (germline): Likely pathogenic (0 of 4 stars; one submission).

Conditions:
CACNA1A-related disorder. Also called: CACNA1A-related condition.

Submission:

PreventionGenetics, part of Exact Sciences
Classification: Likely pathogenic for CACNA1A-related condition. Last evaluated: 2024-05-13. Review status: no assertion criteria provided. Collection method: clinical testing. Allele origin: germline.
Comment: The CACNA1A c.5678dupA variant is predicted to result in a frameshift and premature protein termination (p.Asn1893Lysfs*29). To our knowledge, this variant has not been reported in the literature or in a large population database, indicating this variant is rare. Frameshift variants in CACNA1A are expected to be pathogenic. This variant is interpreted as likely pathogenic.